The following is an entry in ClinVar:

ClinVar aggregate classification (germline): Uncertain significance (1 of 4 stars; one submission).

Conditions:
SDCCAG8-related disorder. Also called: SDCCAG8-related condition; SDCCAG8-Related Disorders.

gnomAD v4.1: 1 of 1,614,140 alleles (0.000062%); highest among the groups gnomAD compares: Non-Finnish European, 0.000085%; no homozygotes.

Submission:

PreventionGenetics, part of Exact Sciences
Classification: Uncertain significance for SDCCAG8-related condition. Last evaluated: 2026-08-20. Review status: criteria provided, single submitter. Criteria: ACMG Guidelines, 2015. Collection method: clinical testing. Allele origin: germline.
Comment: The SDCCAG8 c.632C>T variant is predicted to result in the amino acid substitution p.Ala211Val. To our knowledge, this variant has not been reported in the literature. This variant is reported in 0.00088% of alleles in individuals of European (Non-Finnish) descent in gnomAD. At this time, the clinical significance of this variant is uncertain due to the absence of conclusive functional and genetic evidence.

NM_006642.5(SDCCAG8):c.632C>T (p.Ala211Val)

Gene: SDCCAG8 (SHH signaling and ciliogenesis regulator SDCCAG8; plus strand). Cytogenetic location: 1q43.
Variant type: single nucleotide variant.
Coding change: c.632C>T on transcript NM_006642.5 (MANE Select); coding-DNA position 632, C replaced by T.
Protein change: p.Ala211Val; replaces alanine 211 with valine.
Molecular consequence: missense variant. On other transcripts: 5 prime UTR variant (3).
Genome position (GRCh38, 1-based): chr1:243,293,176, C>T. VCF-style: chr1-243293176-C-T. GRCh37 (hg19) VCF-style: chr1-243456478-C-T.
Other names: c.-481C>T (NM_001350246.2); c.-369C>T (NM_001350247.2); c.632C>T, p.Ala211Val (NM_001350248.2); c.338C>T, p.Ala113Val (NM_001350249.2); c.-742C>T (NM_001350251.2); short protein forms A113V, A211V.
Identifiers: ClinVar variation 4995763 (VCV004995763.1).
Genomic context (GRCh38, chr1:243,293,176, plus strand): 5'-CAACAGGTGAAGATTCTGGGGTGGGCGAAACCTCCAAAAGACCATTTTCCCATGACAATG[C>T]AGATTTTGGCAAAGCTGCATCTGCTGGTGAGCAGCTAGAACTGGTGAGTATTTGGGTGCT-3'
Protein context (NP_006633.1, residues 201-221): TSKRPFSHDN[Ala211Val]DFGKAASAGE